The following is an entry in ClinVar:

NM_001267550.2(TTN):c.29042-2del

Gene: TTN (titin; minus strand). Cytogenetic location: 2q31.2.
Variant type: Deletion.
Coding change: c.29042-2del on transcript NM_001267550.2 (MANE Select); the canonical splice acceptor site of the intron before coding-DNA position 29042, one base deleted (A; older notation c.29042-2delA).
Molecular consequence: splice acceptor variant. On other transcripts: intron variant (3).
Genome position (GRCh38, 1-based): chr2:178,706,956, T deleted on the plus strand (A on the coding strand, the reverse complement: TTN is on the minus strand). VCF-style (leftmost placement, unchanged base first): chr2-178706955-CT-C. GRCh37 (hg19) VCF-style: chr2-179571682-CT-C.
Other names: c.13282+31126del (NM_003319.4); c.13858+31126del (NM_133437.4); c.13657+31126del (NM_133432.3); c.25310-2del (NM_133378.4); c.28091-2del (NM_001256850.1).
Identifiers: ClinVar variation 1385289 (VCV001385289.8), dbSNP rs2075975847, ClinGen allele CA1310587557.

ClinVar aggregate classification (germline): Likely pathogenic (1 of 4 stars; one submission).

Conditions:
Dilated cardiomyopathy 1G (CMD1G). Identifiers: Orphanet 154, MedGen C1858763, MONDO:0011400, OMIM 604145.
Autosomal recessive limb-girdle muscular dystrophy type 2J (LGMDR10). Also called: MUSCULAR DYSTROPHY, LIMB-GIRDLE, AUTOSOMAL RECESSIVE 10; Limb-girdle muscular dystrophy, type 2J. Identifiers: Orphanet 140922, MedGen C1837342, MONDO:0012127, OMIM 608807.

Allele frequency attached by ClinVar (database versions not stated): gnomAD exomes 0.00001; TOPMed 0.00001.

Submission:

Labcorp Genetics (formerly Invitae), Labcorp
Classification: Likely pathogenic for Dilated cardiomyopathy 1G; Autosomal recessive limb-girdle muscular dystrophy type 2J. Last evaluated: 2024-10-28. Review status: criteria provided, single submitter. Criteria: Invitae Variant Classification Sherloc (09022015). Collection method: clinical testing. Allele origin: germline.
Comment: This sequence change affects a splice site in intron 100 of the TTN gene. It is expected to disrupt RNA splicing and likely results in a truncated or disrupted TTN protein. This variant is not present in population databases (gnomAD no frequency). This variant has not been reported in the literature in individuals affected with TTN-related conditions. ClinVar contains an entry for this variant (Variation ID: 1385289). Algorithms developed to predict the effect of sequence changes on RNA splicing suggest that this variant may disrupt the consensus splice site. This variant is located in the I band of TTN (PMID: 25589632). Truncating variants in this region have been reported in individuals affected with autosomal recessive centronuclear myopathy (PMID: 23975875, internal data). Truncating variants in this region have also been identified in individuals affected with autosomal dominant dilated cardiomyopathy and/or cardio-related conditions (PMID: 27869827, 32964742, internal data). In summary, the currently available evidence indicates that the variant is pathogenic, but additional data are needed to prove that conclusively. Therefore, this variant has been classified as Likely Pathogenic.

Literature cited by the submitters: PubMed 25589632; PubMed 23975875; PubMed 27869827; PubMed 32964742.